The following is an entry in ClinVar:

NM_002230.4(JUP):c.927T>A (p.Asn309Lys)

Gene: JUP (junction plakoglobin; minus strand). Cytogenetic location: 17q21.2.
Variant type: single nucleotide variant.
Coding change: c.927T>A on transcript NM_002230.4 (MANE Select); coding-DNA position 927, T replaced by A.
Protein change: p.Asn309Lys; replaces asparagine 309 with lysine.
Molecular consequence: missense variant.
Genome position (GRCh38, 1-based): chr17:41,765,050, A>T on the plus strand (T>A on the coding strand, the complement: JUP is on the minus strand). VCF-style: chr17-41765050-A-T. GRCh37 (hg19) VCF-style: chr17-39921302-A-T.
Other names: c.927T>A, p.Asn309Lys (NM_001352773.2, NM_001352774.2, NM_001352775.2 and 3 more transcripts); short protein forms N309K.
Identifiers: ClinVar variation 1766420 (VCV001766420.2), dbSNP rs571363075, ClinGen allele CA8565338.

ClinVar aggregate classification (germline): Uncertain significance (1 of 4 stars; one submission).

Conditions:
Cardiovascular phenotype. Identifiers: MedGen CN230736.

Allele frequency attached by ClinVar (database versions not stated): TOPMed below 0.00001; gnomAD 0.00001; 1000 Genomes Project 30x 0.00016; 1000 Genomes Project 0.00020.

Submission:

Ambry Genetics
Classification: Uncertain significance for Cardiovascular phenotype. Last evaluated: 2021-11-02. Review status: criteria provided, single submitter. Criteria: Ambry Variant Classification Scheme 2023. Collection method: clinical testing. Allele origin: germline.
Comment: The p.N309K variant (also known as c.927T>A), located in coding exon 5 of the JUP gene, results from a T to A substitution at nucleotide position 927. The asparagine at codon 309 is replaced by lysine, an amino acid with similar properties. This amino acid position is conserved. In addition, this alteration is predicted to be tolerated by in silico analysis. Since supporting evidence is limited at this time, the clinical significance of this alteration remains unclear.